The following is an entry in ClinVar:

NM_002292.4(LAMB2):c.5015T>C (p.Leu1672Ser)

Gene: LAMB2 (laminin subunit beta 2; minus strand). Cytogenetic location: 3p21.31.
Variant type: single nucleotide variant.
Coding change: c.5015T>C on transcript NM_002292.4 (MANE Select); coding-DNA position 5015, T replaced by C.
Protein change: p.Leu1672Ser; replaces leucine 1672 with serine.
Molecular consequence: missense variant.
Genome position (GRCh38, 1-based): chr3:49,121,769, A>G on the plus strand (T>C on the coding strand, the complement: LAMB2 is on the minus strand). VCF-style: chr3-49121769-A-G. GRCh37 (hg19) VCF-style: chr3-49159202-A-G.
Other names: short protein forms L1672S.
Identifiers: ClinVar variation 4792605 (VCV004792605.1).

ClinVar aggregate classification (germline): Uncertain significance (1 of 4 stars; one submission).

Conditions:
Pierson syndrome. Also called: MICROCORIA-CONGENITAL NEPHROTIC SYNDROME. Identifiers: Orphanet 2670, MedGen C1836876, MONDO:0012184, OMIM 609049.
LAMB2-related infantile-onset nephrotic syndrome. Also called: NEPHROTIC SYNDROME, TYPE 5, WITHOUT OCULAR ABNORMALITIES; NEPHROTIC SYNDROME, TYPE 5, WITH OCULAR ABNORMALITIES; Nephrotic Syndrome, type 5. Identifiers: Orphanet 306507, MedGen C3280113, MONDO:0013621, OMIM 614199.

gnomAD v4.1: 78 of 1,613,386 alleles (0.0048%); highest among the groups gnomAD compares: Non-Finnish European, 0.0065%; no homozygotes.

Submission:

Labcorp Genetics (formerly Invitae), Labcorp
Classification: Uncertain significance for LAMB2-related infantile-onset nephrotic syndrome; Pierson syndrome. Last evaluated: 2025-09-09. Review status: criteria provided, single submitter. Criteria: Invitae Variant Classification Sherloc (09022015). Collection method: clinical testing. Allele origin: germline.
Comment: This sequence change replaces leucine, which is neutral and non-polar, with serine, which is neutral and polar, at codon 1672 of the LAMB2 protein (p.Leu1672Ser). This variant is present in population databases (rs762045651, gnomAD 0.003%). This variant has not been reported in the literature in individuals affected with LAMB2-related conditions. An algorithm developed to predict the effect of missense changes on protein structure and function (PolyPhen-2) suggests that this variant is likely to be tolerated. In summary, the available evidence is currently insufficient to determine the role of this variant in disease. Therefore, it has been classified as a Variant of Uncertain Significance.